The following is an entry in ClinVar:

NM_000368.5(TSC1):c.1548del (p.Gln516fs)

Gene: TSC1 (TSC complex subunit 1; minus strand). Cytogenetic location: 9q34.13.
Variant type: Deletion.
Coding change: c.1548del on transcript NM_000368.5 (MANE Select); coding-DNA position 1548, one base deleted (G; older notation c.1548delG).
Protein change: p.Gln516fs; shifts the reading frame from glutamine 516.
Molecular consequence: frameshift variant. On other transcripts: non-coding transcript variant (5).
Genome position (GRCh38, 1-based): chr9:132,906,030, C deleted on the plus strand (G on the coding strand, the reverse complement: TSC1 is on the minus strand). VCF-style (leftmost placement, unchanged base first): chr9-132906029-GC-G. GRCh37 (hg19) VCF-style: chr9-135781416-GC-G.
Other names: c.597del, p.Gln199fs (NM_001406626.1); c.594del, p.Gln198fs (NM_001406627.1, NM_001406628.1); c.495del, p.Gln165fs (NM_001406629.1, NM_001406630.1); c.1182del, p.Gln394fs (NM_001406620.1, NM_001406621.1, NM_001406622.1 and 2 more transcripts); c.1185del, p.Gln395fs (NM_001406624.1, NM_001362177.2, NM_001406614.1 and 5 more transcripts); c.1545del, p.Gln515fs (NM_001162426.2, NM_001406597.1, NM_001406598.1 and 6 more transcripts); c.1395del, p.Gln465fs (NM_001162427.2, NM_001406610.1); c.1548del, p.Gln516fs (NM_001406592.1, NM_001406593.1, NM_001406594.1 and 7 more transcripts); and 1 more; short protein forms Q515fs, Q165fs, Q198fs, Q199fs, Q394fs, Q395fs, Q464fs, Q465fs.
Identifiers: ClinVar variation 2760201 (VCV002760201.3), dbSNP rs2538739746, ClinGen allele CA2697558116.
Genomic context (GRCh38, chr9:132,906,029, plus strand): 5'-GTAAAGGCTCAGGGTTCACGCTGGCGCCCTGAGAACTGGAGGCTGCCGAGTGGGTCTTCC[GC>G]TGAGAACCTGGGAGACTGTCTCGGTAAAAGGGAGAGTCAAAGCCTCCTCGAGGAACCACA-3'

ClinVar aggregate classification (germline): Pathogenic (1 of 4 stars; one submission).

Conditions:
Tuberous sclerosis 1 (TSC1). Identifiers: Orphanet 805, MedGen C1854465, MONDO:0008612, OMIM 191100.

Submission:

Labcorp Genetics (formerly Invitae), Labcorp
Classification: Pathogenic for Tuberous sclerosis 1. Last evaluated: 2024-10-25. Review status: criteria provided, single submitter. Criteria: Invitae Variant Classification Sherloc (09022015). Collection method: clinical testing. Allele origin: germline.
Comment: This sequence change creates a premature translational stop signal (p.Gln516Hisfs*16) in the TSC1 gene. It is expected to result in an absent or disrupted protein product. Loss-of-function variants in TSC1 are known to be pathogenic (PMID: 10227394, 17304050). This variant is not present in population databases (gnomAD no frequency). This variant has not been reported in the literature in individuals affected with TSC1-related conditions. For these reasons, this variant has been classified as Pathogenic.

Literature cited by the submitters: PubMed 10227394; PubMed 17304050.